The following is an entry in ClinVar:

ClinVar aggregate classification (germline): Pathogenic (1 of 4 stars; one submission).

Conditions:
Hereditary cancer-predisposing syndrome. Also called: Hereditary neoplastic syndrome; Neoplastic Syndromes, Hereditary; Tumor predisposition; Hereditary Cancer Syndrome. Identifiers: Orphanet 140162, MedGen C0027672, MeSH D009386, MONDO:0015356.

Submission:

Ambry Genetics
Classification: Pathogenic for Hereditary cancer-predisposing syndrome. Last evaluated: 2023-07-07. Review status: criteria provided, single submitter. Criteria: Ambry Variant Classification Scheme 2023. Collection method: clinical testing. Allele origin: germline.
Comment: The p.G644* pathogenic mutation (also known as c.1930G>T), located in coding exon 5 of the PALB2 gene, results from a G to T substitution at nucleotide position 1930. This changes the amino acid from a glycine to a stop codon within coding exon 5. This alteration is expected to result in loss of function by premature protein truncation or nonsense-mediated mRNA decay. As such, this alteration is interpreted as a disease-causing mutation.

NM_024675.4(PALB2):c.1930G>T (p.Gly644Ter)

Gene: PALB2 (partner and localizer of BRCA2; minus strand). Cytogenetic location: 16p12.2.
Variant type: single nucleotide variant.
Coding change: c.1930G>T on transcript NM_024675.4 (MANE Select); coding-DNA position 1930, G replaced by T.
Protein change: p.Gly644Ter; replaces glycine 644 with a stop codon.
Molecular consequence: nonsense.
Genome position (GRCh38, 1-based): chr16:23,630,224, C>A on the plus strand (G>T on the coding strand, the complement: PALB2 is on the minus strand). VCF-style: chr16-23630224-C-A. GRCh37 (hg19) VCF-style: chr16-23641545-C-A.
Other names: short protein forms G644*.
Identifiers: ClinVar variation 185767 (VCV000185767.6), dbSNP rs786202439, ClinGen allele CA192870.